The following is an entry in ClinVar:

NM_130811.4(SNAP25):c.404G>A (p.Arg135His)

Gene: SNAP25 (synaptosome associated protein 25; plus strand). Cytogenetic location: 20p12.2.
Variant type: single nucleotide variant.
Coding change: c.404G>A on transcript NM_130811.4 (MANE Select); coding-DNA position 404, G replaced by A.
Protein change: p.Arg135His; replaces arginine 135 with histidine.
Molecular consequence: missense variant.
Genome position (GRCh38, 1-based): chr20:10,297,047, G>A. VCF-style: chr20-10297047-G-A. GRCh37 (hg19) VCF-style: chr20-10277695-G-A.
Other names: c.404G>A, p.Arg135His (NM_001322902.2, NM_001322903.2, NM_001322904.2 and 7 more transcripts); short protein forms R135H.
Identifiers: ClinVar variation 1285532 (VCV001285532.7), dbSNP rs1315869651, ClinGen allele CA408266422.

ClinVar aggregate classification (germline): Uncertain significance. Review status: criteria provided, multiple submitters, no conflicts (2 of 4 stars). 2 submissions from 2 submitters: Uncertain significance (2). Last evaluated 2025-11-20.

Conditions:
Developmental and epileptic encephalopathy. Identifiers: MedGen C5779964, MONDO:0100620.
Congenital myasthenic syndrome 18. Also called: MYASTHENIC SYNDROME, CONGENITAL, 18, WITH INTELLECTUAL DISABILITY AND ATAXIA. Identifiers: Orphanet 590, MedGen C4225364, MONDO:0014590, OMIM 616330.

Allele frequency attached by ClinVar (database versions not stated): gnomAD exomes 0.00001 and below 0.00001; TOPMed 0.00001; gnomAD 0.00001.
gnomAD v4.1: 20 of 1,596,178 alleles (0.0013%); highest among the groups gnomAD compares: Non-Finnish European, 0.0014%; no homozygotes.

Submissions (2):

Labcorp Genetics (formerly Invitae), Labcorp
Classification: Uncertain significance for Congenital myasthenic syndrome 18. Last evaluated: 2025-11-20. Review status: criteria provided, single submitter. Criteria: Invitae Variant Classification Sherloc (09022015). Collection method: clinical testing. Allele origin: germline.
Comment: This sequence change replaces arginine, which is basic and polar, with histidine, which is basic and polar, at codon 135 of the SNAP25 protein (p.Arg135His). The frequency data for this variant in the population databases is considered unreliable, as metrics indicate poor data quality at this position in the gnomAD database. This missense change has been observed in individual(s) with clinical features of SNAP25-related conditions (PMID: 33057194, 33299146, 35982159). In at least one individual the variant was observed to be de novo. ClinVar contains an entry for this variant (Variation ID: 1285532). An algorithm developed to predict the effect of missense changes on protein structure and function (PolyPhen-2) suggests that this variant is likely to be tolerated. In summary, the available evidence is currently insufficient to determine the role of this variant in disease. Therefore, it has been classified as a Variant of Uncertain Significance.

Institute of Human Genetics, University of Leipzig Medical Center
Classification: Uncertain significance for Early-infantile DEE. Last evaluated: 2020-07-15. Review status: criteria provided, single submitter. Criteria: ACMG Guidelines, 2015. Collection method: clinical testing. Allele origin: de novo. Affected: yes.
Comment: This variant was identified as de novo (maternity and paternity confirmed).

Literature cited by the submitters: PubMed 33057194 (cited by Labcorp Genetics (formerly Invitae), Labcorp); PubMed 33299146 (cited by Labcorp Genetics (formerly Invitae), Labcorp and Institute of Human Genetics, University of Leipzig Medical Center); PubMed 35982159 (cited by Labcorp Genetics (formerly Invitae), Labcorp).